The following is an entry in ClinVar:

NM_001035.3(RYR2):c.4460T>C (p.Met1487Thr)

Gene: RYR2 (ryanodine receptor 2; plus strand). Cytogenetic location: 1q43.
Variant type: single nucleotide variant.
Coding change: c.4460T>C on transcript NM_001035.3 (MANE Select); coding-DNA position 4460, T replaced by C.
Protein change: p.Met1487Thr; replaces methionine 1487 with threonine.
Molecular consequence: missense variant.
Genome position (GRCh38, 1-based): chr1:237,595,521, T>C. VCF-style: chr1-237595521-T-C. GRCh37 (hg19) VCF-style: chr1-237758821-T-C.
Other names: short protein forms M1487T.
Identifiers: ClinVar variation 1047169 (VCV001047169.10), dbSNP rs1675795160, ClinGen allele CA345400159.

ClinVar aggregate classification (germline): Uncertain significance (1 of 4 stars; one submission).

Conditions:
Catecholaminergic polymorphic ventricular tachycardia 1. Also called: VENTRICULAR TACHYCARDIA, CATECHOLAMINERGIC POLYMORPHIC, 1, WITH OR WITHOUT ATRIAL DYSFUNCTION AND/OR DILATED CARDIOMYOPATHY; VENTRICULAR TACHYCARDIA, STRESS-INDUCED POLYMORPHIC 1; RYR2-Related Catecholaminergic Polymorphic Ventricular Tachycardia. Identifiers: Orphanet 3286, MedGen C1631597, MONDO:0011484, OMIM 604772.

Submission:

Labcorp Genetics (formerly Invitae), Labcorp
Classification: Uncertain significance for Catecholaminergic polymorphic ventricular tachycardia 1. Last evaluated: 2022-03-09. Review status: criteria provided, single submitter. Criteria: Invitae Variant Classification Sherloc (09022015). Collection method: clinical testing. Allele origin: germline.
Comment: In summary, the available evidence is currently insufficient to determine the role of this variant in disease. Therefore, it has been classified as a Variant of Uncertain Significance. Advanced modeling of protein sequence and biophysical properties (such as structural, functional, and spatial information, amino acid conservation, physicochemical variation, residue mobility, and thermodynamic stability) performed at Invitae indicates that this missense variant is not expected to disrupt RYR2 protein function. ClinVar contains an entry for this variant (Variation ID: 1047169). This variant has not been reported in the literature in individuals affected with RYR2-related conditions. This variant is not present in population databases (gnomAD no frequency). This sequence change replaces methionine, which is neutral and non-polar, with threonine, which is neutral and polar, at codon 1487 of the RYR2 protein (p.Met1487Thr).